The following is an entry in ClinVar:

ClinVar aggregate classification (germline): Uncertain significance (0 of 4 stars; one submission).

Conditions:
TANC2-related disorder. Also called: TANC2-related condition.

Submission:

PreventionGenetics, part of Exact Sciences
Classification: Uncertain significance for TANC2-related condition. Last evaluated: 2024-07-15. Review status: no assertion criteria provided. Collection method: clinical testing. Allele origin: germline.
Comment: The TANC2 c.4619C>T variant is predicted to result in the amino acid substitution p.Pro1540Leu. To our knowledge, this variant has not been reported in the literature or in a large population database, indicating this variant is rare. At this time, the clinical significance of this variant is uncertain due to the absence of conclusive functional and genetic evidence.

NM_001394998.1(TANC2):c.4871C>T (p.Pro1624Leu)

Gene: TANC2 (tetratricopeptide repeat, ankyrin repeat and coiled-coil containing 2; plus strand). Cytogenetic location: 17q23.3.
Variant type: single nucleotide variant.
Coding change: c.4871C>T on transcript NM_001394998.1 (MANE Select); coding-DNA position 4871, C replaced by T.
Protein change: p.Pro1624Leu; replaces proline 1624 with leucine.
Molecular consequence: missense variant.
Genome position (GRCh38, 1-based): chr17:63,420,601, C>T. VCF-style: chr17-63420601-C-T. GRCh37 (hg19) VCF-style: chr17-61497962-C-T.
Other names: c.4649C>T, p.Pro1550Leu (NM_001411076.1); c.4619C>T, p.Pro1540Leu (NM_025185.4); short protein forms P1540L, P1550L, P1624L.
Identifiers: ClinVar variation 3344857 (VCV003344857.1).